The following is an entry in ClinVar:

ClinVar aggregate classification (germline): Uncertain significance (1 of 4 stars; one submission).

Submission:

Labcorp Genetics (formerly Invitae), Labcorp
Classification: Uncertain significance. Last evaluated: 2023-04-16. Review status: criteria provided, single submitter. Criteria: Invitae Variant Classification Sherloc (09022015). Collection method: clinical testing. Allele origin: germline.
Comment: In summary, the available evidence is currently insufficient to determine the role of this variant in disease. Therefore, it has been classified as a Variant of Uncertain Significance. Algorithms developed to predict the effect of sequence changes on RNA splicing suggest that this variant may create or strengthen a splice site. Advanced modeling of protein sequence and biophysical properties (such as structural, functional, and spatial information, amino acid conservation, physicochemical variation, residue mobility, and thermodynamic stability) performed at Invitae indicates that this missense variant is expected to disrupt SYT2 protein function. This variant has not been reported in the literature in individuals affected with SYT2-related conditions. This variant is not present in population databases (gnomAD no frequency). This sequence change replaces leucine, which is neutral and non-polar, with glutamine, which is neutral and polar, at codon 75 of the SYT2 protein (p.Leu75Gln).

NM_177402.5(SYT2):c.224T>A (p.Leu75Gln)

Gene: SYT2 (synaptotagmin 2; minus strand). Cytogenetic location: 1q32.1.
Variant type: single nucleotide variant.
Coding change: c.224T>A on transcript NM_177402.5 (MANE Select); coding-DNA position 224, T replaced by A.
Protein change: p.Leu75Gln; replaces leucine 75 with glutamine.
Molecular consequence: missense variant.
Genome position (GRCh38, 1-based): chr1:202,604,576, A>T on the plus strand (T>A on the coding strand, the complement: SYT2 is on the minus strand). VCF-style: chr1-202604576-A-T. GRCh37 (hg19) VCF-style: chr1-202573704-A-T.
Other names: c.224T>A, p.Leu75Gln (NM_001136504.1); short protein forms L75Q.
Identifiers: ClinVar variation 2847926 (VCV002847926.3), dbSNP rs2526989526, ClinGen allele CA344259447.